The following is an entry in ClinVar:

ClinVar aggregate classification (germline): Uncertain significance (1 of 4 stars; one submission).

Conditions:
Polycystic kidney disease, adult type (PKD1). Also called: Polycystic Kidney Disease 1, Autosomal Dominant; POLYCYSTIC KIDNEY DISEASE, ADULT, TYPE I; Polycystic kidney disease 1; Polycystic kidney disease 1, severe; POLYCYSTIC KIDNEY DISEASE 1 WITH OR WITHOUT POLYCYSTIC LIVER DISEASE; Polycystic Kidney, Autosomal Dominant. Identifiers: MedGen C3149841, MONDO:0008263, OMIM 173900.

Submission:

MVZ Medizinische Genetik Mainz
Classification: Uncertain significance for Polycystic kidney disease, adult type. Last evaluated: 2026-01-27. Review status: criteria provided, single submitter. Criteria: UK Practice Guidelines For Variant Classification V4 01 2020. Collection method: clinical testing. Allele origin: germline. Inheritance: Autosomal dominant inheritance. Affected: yes. Observed: 1 variant allele.
Comment: ACMG Criteria: PM2_SUP,PM4_SUP,PP4

NM_001009944.3(PKD1):c.8167_8169del (p.Leu2723del)

Gene: PKD1 (polycystin 1, transient receptor potential channel interacting; minus strand). Cytogenetic location: 16p13.3.
Variant type: Deletion.
Coding change: c.8167_8169del on transcript NM_001009944.3 (MANE Select); coding-DNA positions 8167 to 8169, 3 bases deleted (CTC; older notation c.8167_8169delCTC).
Protein change: p.Leu2723del; deletes leucine 2723.
Molecular consequence: inframe deletion.
Genome position (GRCh38, 1-based): chr16:2,103,888-2,103,890, GAG deleted on the plus strand (CTC on the coding strand, the reverse complement: PKD1 is on the minus strand); deleting any 3 consecutive bases within chr16:2,103,888-2,103,891 gives the same sequence; the c. name uses the placement nearest the transcript's 3' end. VCF-style (leftmost placement, unchanged base first): chr16-2103887-TGAG-T. GRCh37 (hg19) VCF-style: chr16-2153888-TGAG-T.
Other names: c.8167_8169del, p.Leu2723del (NM_000296.4); short protein forms L2723del.
Identifiers: ClinVar variation 5038121 (VCV005038121.1).
Genomic context (GRCh38, chr16:2,103,887, plus strand): 5'-GTGACTCGGCTCCCAGCTCTGAGGGCTGTGGTGCCCGCACGTCCGAGCTGGCCAGGTGGA[TGAG>T]GTCTCCTGCAGACATGCGTGAGGTCAGTGCAGAGACAGGGAGGTAGAGGGAGGGTGGGGG-3'